The following is an entry in ClinVar:

NM_000540.3(RYR1):c.12494T>G (p.Leu4165Arg)

Gene: RYR1 (ryanodine receptor 1; plus strand). Cytogenetic location: 19q13.2.
Variant type: single nucleotide variant.
Coding change: c.12494T>G on transcript NM_000540.3 (MANE Select); coding-DNA position 12494, T replaced by G.
Protein change: p.Leu4165Arg; replaces leucine 4165 with arginine.
Molecular consequence: missense variant.
Genome position (GRCh38, 1-based): chr19:38,561,324, T>G. VCF-style: chr19-38561324-T-G. GRCh37 (hg19) VCF-style: chr19-39051964-T-G.
Other names: p.Leu4165Arg; c.12479T>G, p.Leu4160Arg (NM_001042723.2); short protein forms L4165R, L4160R.
Identifiers: ClinVar variation 544433 (VCV000544433.8), dbSNP rs1555798592, ClinGen allele CA405669300.
Genomic context (GRCh38, chr19:38,561,324, plus strand): 5'-TGCTGACCAACCTGTCGGAGCATGTGCCGCATGACCCTCGCCTGCACAACTTCCTGGAGC[T>G]GGCCGAGAGCATCCTTGAGTACTTCCGCCCCTACCTGGGCCGCATCGAGATCATGGGCGC-3'
Protein context (NP_000531.2, residues 4155-4175): HDPRLHNFLE[Leu4165Arg]AESILEYFRP

ClinVar aggregate classification (germline): Uncertain significance. Review status: criteria provided, multiple submitters, no conflicts (2 of 4 stars). 3 submissions from 3 submitters: Uncertain significance (3). Last evaluated 2025-06-30.

Conditions:
RYR1-related disorder. Also called: RYR1-related condition; RYR1-related disorders. Identifiers: MedGen CN239331.
Malignant hyperthermia, susceptibility to, 1 (MHS1). Also called: RYR1-Related Malignant Hyperthermia Susceptibility; Anesthesia related hyperthermia; Malignant hyperpyrexia; Fulminating hyperpyrexia; Pharmacogenic myopathy; Malignant hyperthermia suceptibility 1. Identifiers: Orphanet 423, MedGen C2930980, MONDO:0007783, OMIM 145600.

Allele frequency attached by ClinVar (database versions not stated): gnomAD exomes 0.00001.
gnomAD v4.1: 3 of 1,614,048 alleles (0.00019%); highest among the groups gnomAD compares: Non-Finnish European, 0.00025%; no homozygotes.

Submissions (3):

Color Diagnostics, LLC DBA Color Health
Classification: Uncertain significance for Malignant hyperthermia, susceptibility to, 1. Last evaluated: 2025-06-30. Review status: criteria provided, single submitter. Criteria: ACMG Guidelines, 2015. Collection method: clinical testing. Allele origin: germline.
Comment: This missense variant replaces leucine with arginine at codon 4165 of the RYR1 protein. Computational prediction suggests that this variant may have deleterious impact on protein structure and function. To our knowledge, functional studies have not been reported for this variant. This variant has not been reported in individuals affected with RYR1-related disorders in the literature. This variant has not been identified in the general population by the Genome Aggregation Database (gnomAD). The available evidence is insufficient to determine the role of this variant in disease conclusively. Therefore, this variant is classified as a Variant of Uncertain Significance.

Mayo Clinic Laboratories, Mayo Clinic
Classification: Uncertain significance. Last evaluated: 2023-08-30. Review status: criteria provided, single submitter. Criteria: ACMG Guidelines, 2015. Collection method: clinical testing. Allele origin: germline. Observed: 1 variant allele.
Comment: PM2_moderate

Labcorp Genetics (formerly Invitae), Labcorp
Classification: Uncertain significance for RYR1-related disorder. Last evaluated: 2021-08-30. Review status: criteria provided, single submitter. Criteria: Invitae Variant Classification Sherloc (09022015). Collection method: clinical testing. Allele origin: germline.
Comment: This sequence change replaces leucine with arginine at codon 4165 of the RYR1 protein (p.Leu4165Arg). The leucine residue is moderately conserved and there is a moderate physicochemical difference between leucine and arginine. This variant is not present in population databases (ExAC no frequency). This variant has not been reported in the literature in individuals affected with RYR1-related conditions. Algorithms developed to predict the effect of missense changes on protein structure and function are either unavailable or do not agree on the potential impact of this missense change (SIFT: "Deleterious"; PolyPhen-2: "Benign"; Align-GVGD: "Class C0"). In summary, the available evidence is currently insufficient to determine the role of this variant in disease. Therefore, it has been classified as a Variant of Uncertain Significance.